The following is an entry in ClinVar:

NM_004655.4(AXIN2):c.13A>G (p.Met5Val)

Gene: AXIN2 (axin 2; minus strand). Cytogenetic location: 17q24.1.
Variant type: single nucleotide variant.
Coding change: c.13A>G on transcript NM_004655.4 (MANE Select); coding-DNA position 13, A replaced by G.
Protein change: p.Met5Val; replaces methionine 5 with valine.
Molecular consequence: missense variant.
Genome position (GRCh38, 1-based): chr17:65,558,608, T>C on the plus strand (A>G on the coding strand, the complement: AXIN2 is on the minus strand). VCF-style: chr17-65558608-T-C. GRCh37 (hg19) VCF-style: chr17-63554726-T-C.
Other names: c.13A>G (LRG_296t1); c.13A>G, p.Met5Val (NM_001363813.1); short protein forms M5V.
Identifiers: ClinVar variation 239987 (VCV000239987.21), dbSNP rs148691166, ClinGen allele CA8719114.

ClinVar aggregate classification (germline): Conflicting classifications of pathogenicity. Review status: criteria provided, conflicting classifications (1 of 4 stars). 7 submissions from 7 submitters: Uncertain significance (5); Likely benign (2). Last evaluated 2026-01-10.

Conditions:
AXIN2-related disorder.
Hereditary cancer-predisposing syndrome. Also called: Neoplastic Syndromes, Hereditary; Hereditary neoplastic syndrome; Hereditary Cancer Syndrome; Tumor predisposition. Identifiers: Orphanet 140162, MedGen C0027672, MeSH D009386, MONDO:0015356.
Oligodontia-cancer predisposition syndrome. Also called: TOOTH AGENESIS-COLORECTAL CANCER SYNDROME. Identifiers: Orphanet 300576, MedGen C1837750, MONDO:0012075, OMIM 608615. Disease mechanism: loss of function.

Allele frequency attached by ClinVar (database versions not stated): gnomAD 0.00001; ExAC 0.00002; gnomAD exomes 0.00002; TOPMed 0.00004; ESP Exome Variant Server 0.00008.

Submissions (7):

Labcorp Genetics (formerly Invitae), Labcorp
Classification: Uncertain significance for Oligodontia-cancer predisposition syndrome. Last evaluated: 2026-01-10. Review status: criteria provided, single submitter. Criteria: Invitae Variant Classification Sherloc (09022015). Collection method: clinical testing. Allele origin: germline.
Comment: This sequence change replaces methionine, which is neutral and non-polar, with valine, which is neutral and non-polar, at codon 5 of the AXIN2 protein (p.Met5Val). This variant is present in population databases (rs148691166, gnomAD 0.003%). This variant has not been reported in the literature in individuals affected with AXIN2-related conditions. ClinVar contains an entry for this variant (Variation ID: 239987). An algorithm developed to predict the effect of missense changes on protein structure and function outputs the following: PolyPhen-2: "Benign". The valine amino acid residue is found in multiple mammalian species, which suggests that this missense change does not adversely affect protein function. In summary, the available evidence is currently insufficient to determine the role of this variant in disease. Therefore, it has been classified as a Variant of Uncertain Significance.

Women's Health and Genetics/Laboratory Corporation of America, LabCorp
Classification: Uncertain significance. Last evaluated: 2025-09-19. Review status: criteria provided, single submitter. Criteria: LabCorp Variant Classification Summary - May 2015. Collection method: clinical testing. Allele origin: germline.

Center for Genomic Medicine, Rigshospitalet, Copenhagen University Hospital
Classification: Uncertain significance. Last evaluated: 2025-03-04. Review status: criteria provided, single submitter. Criteria: ACMG Guidelines, 2015. Collection method: clinical testing. Allele origin: germline.

PreventionGenetics, part of Exact Sciences
Classification: Uncertain significance for AXIN2-related condition. Last evaluated: 2025-01-31. Review status: criteria provided, single submitter. Criteria: ACMG Guidelines, 2015. Collection method: clinical testing. Allele origin: germline.
Comment: The AXIN2 c.13A>G variant is predicted to result in the amino acid substitution p.Met5Val. To our knowledge, this variant has not been reported in the literature. This variant is reported in 0.0033% of alleles in individuals of South Asian descent in gnomAD. At this time, the clinical significance of this variant is uncertain due to the absence of conclusive functional and genetic evidence.

Quest Diagnostics Nichols Institute San Juan Capistrano
Classification: Uncertain significance. Last evaluated: 2023-10-20. Review status: criteria provided, single submitter. Criteria: Quest Diagnostics criteria. Collection method: clinical testing. Allele origin: unknown.
Comment: The AXIN2 c.13A>G (p.Met5Val) variant has not been reported in individuals with AXIN2-related conditions in the published literature. The frequency of this variant in the general population, 0.000031 (4/127164 chromosomes (Genome Aggregation Database)), is uninformative in the assessment of its pathogenicity. Analysis of this variant using bioinformatics tools for the prediction of the effect of amino acid changes on protein structure and function yielded predictions that this variant is benign. Based on the available information, we are unable to determine the clinical significance of this variant.

GeneDx
Classification: Likely benign. Last evaluated: 2019-08-08. Review status: criteria provided, single submitter. Criteria: GeneDx Variant Classification Process June 2021. Collection method: clinical testing. Allele origin: germline. Affected: yes.
Comment: Not observed at a significant frequency in large population cohorts (Lek et al., 2016); In silico analysis, which includes protein predictors and evolutionary conservation, supports that this variant does not alter protein structure/function; Has not been previously published as pathogenic or benign to our knowledge

Ambry Genetics
Classification: Likely benign for Hereditary cancer-predisposing syndrome. Last evaluated: 2019-02-13. Review status: criteria provided, single submitter. Criteria: Ambry Variant Classification Scheme 2023. Collection method: clinical testing. Allele origin: germline.